The following is an entry in ClinVar:

ClinVar aggregate classification (germline): Uncertain significance (1 of 4 stars; one submission).

Conditions:
Inborn genetic diseases. Identifiers: MedGen C0950123, MeSH D030342.

Submission:

Ambry Genetics
Classification: Uncertain significance for Inborn genetic diseases. Last evaluated: 2025-09-25. Review status: criteria provided, single submitter. Criteria: Ambry Variant Classification Scheme 2023. Collection method: clinical testing. Allele origin: germline.
Comment: The p.T1069A variant (also known as c.3205A>G), located in coding exon 15 of the MECOM gene, results from an A to G substitution at nucleotide position 3205. The threonine at codon 1069 is replaced by alanine, an amino acid with similar properties. This amino acid position is conserved. In addition, this alteration is predicted to be tolerated by in silico analysis. Based on the available evidence, the clinical significance of this variant remains unclear.

NM_004991.4(MECOM):c.3205A>G (p.Thr1069Ala)

Gene: MECOM (MDS1 and EVI1 complex locus; minus strand). Cytogenetic location: 3q26.2.
Variant type: single nucleotide variant.
Coding change: c.3205A>G on transcript NM_004991.4 (MANE Select); coding-DNA position 3205, A replaced by G.
Protein change: p.Thr1069Ala; replaces threonine 1069 with alanine.
Molecular consequence: missense variant.
Genome position (GRCh38, 1-based): chr3:169,090,196, T>C on the plus strand (A>G on the coding strand, the complement: MECOM is on the minus strand). VCF-style: chr3-169090196-T-C. GRCh37 (hg19) VCF-style: chr3-168807984-T-C.
Other names: c.2836A>G, p.Thr946Ala (NM_001105077.4); c.2641A>G, p.Thr881Ala (NM_001105078.4, NM_001205194.2, NM_001366469.2 and 1 more transcripts); c.2617A>G, p.Thr873Ala (NM_001163999.2, NM_001366470.2); c.2614A>G, p.Thr872Ala (NM_001164000.2, NM_001366471.2, NM_001366472.2); c.3178A>G, p.Thr1060Ala (NM_001366466.2); c.2644A>G, p.Thr882Ala (NM_001366467.2, NM_001366468.2); c.2206A>G, p.Thr736Ala (NM_001366473.2); c.1642A>G, p.Thr548Ala (NM_001366474.2); short protein forms T872A, T882A, T946A, T1069A, T548A, T736A, T873A, T881A.
Identifiers: ClinVar variation 4624601 (VCV004624601.1).
Genomic context (GRCh38, chr3:169,090,196, plus strand): 5'-CATCTAACAACACCTCATCTTCAACTTCTTCATCATCCAGCAAGTCTGAATTTTGACTGG[T>C]CACCAAAGCCTTTTCATCTTTAAAATGACTGCCATTCATTCTTTCAAAAGCATTAAAAAA-3'
Protein context (NP_004982.2, residues 1059-1079): SHFKDEKALV[Thr1069Ala]SQNSDLLDDE